The following is an entry in ClinVar:

NM_001319074.4(RAX2):c.217-12C>A

Gene: RAX2 (retina and anterior neural fold homeobox 2; minus strand). Cytogenetic location: 19p13.3.
Variant type: single nucleotide variant.
Coding change: c.217-12C>A on transcript NM_001319074.4 (MANE Select); 12 bases into the intron before coding-DNA position 217, C replaced by A.
Molecular consequence: intron variant.
Genome position (GRCh38, 1-based): chr19:3,770,971, G>T on the plus strand (C>A on the coding strand, the complement: RAX2 is on the minus strand). VCF-style: chr19-3770971-G-T. GRCh37 (hg19) VCF-style: chr19-3770969-G-T.
Other names: c.217-12C>A (NM_032753.4).
Identifiers: ClinVar variation 866905 (VCV000866905.9), dbSNP rs530784939, ClinGen allele CA9085072.

ClinVar aggregate classification (germline): Uncertain significance. Review status: criteria provided, multiple submitters, no conflicts (2 of 4 stars). 2 submissions from 2 submitters: Uncertain significance (2). Last evaluated 2025-10-17.

Allele frequency attached by ClinVar (database versions not stated): TOPMed 0.00010.
gnomAD v4.1: 16 of 1,544,298 alleles (0.001%); highest among the groups gnomAD compares: African/African-American, 0.019%; no homozygotes.

Submissions (2):

Labcorp Genetics (formerly Invitae), Labcorp
Classification: Uncertain significance. Last evaluated: 2025-10-17. Review status: criteria provided, single submitter. Criteria: Invitae Variant Classification Sherloc (09022015). Collection method: clinical testing. Allele origin: germline.
Comment: This sequence change falls in intron 2 of the RAX2 gene. It does not directly change the encoded amino acid sequence of the RAX2 protein. The frequency data for this variant in the population databases is considered unreliable, as metrics indicate poor data quality at this position in the gnomAD database. This variant has not been reported in the literature in individuals affected with RAX2-related conditions. ClinVar contains an entry for this variant (Variation ID: 866905). Algorithms developed to predict the effect of sequence changes on RNA splicing suggest that this variant may disrupt the consensus splice site. In summary, the available evidence is currently insufficient to determine the role of this variant in disease. Therefore, it has been classified as a Variant of Uncertain Significance.

Blueprint Genetics
Classification: Uncertain significance. Last evaluated: 2021-10-26. Review status: criteria provided, single submitter. Criteria: ACMG Guidelines, 2015. Collection method: clinical testing. Allele origin: germline.